The following is an entry in ClinVar:

ClinVar aggregate classification (germline): Benign/Likely benign. Review status: criteria provided, multiple submitters, no conflicts (2 of 4 stars). 5 submissions from 5 submitters: Benign (1); Likely benign (4). Last evaluated 2025-11-24.

Conditions:
Brown-Vialetto-van Laere syndrome 2. Also called: Riboflavin transporter deficiency type 2; SPINOCEREBELLAR ATAXIA WITH BLINDNESS AND DEAFNESS 2. Identifiers: Orphanet 572543, Orphanet 97229, MedGen C3553538, MONDO:0013867, OMIM 614707.
SLC52A2-related disorder. Also called: SLC52A2-related condition.

Allele frequency attached by ClinVar (database versions not stated): gnomAD 0.00013 and below 0.00001; ExAC 0.00049; TOPMed 0.00003; 1000 Genomes Project 30x 0.00016; 1000 Genomes Project 0.00020.

Submissions (5):

PreventionGenetics, part of Exact Sciences
Classification: Likely benign for SLC52A2-related condition. Last evaluated: 2025-11-24. Review status: criteria provided, single submitter. Criteria: ACMG Guidelines, 2015. Collection method: clinical testing. Allele origin: germline.
Comment: This variant is classified as likely benign based on ACMG/AMP sequence variant interpretation guidelines (Richards et al. 2015 PMID: 25741868, with internal and published modifications).

Labcorp Genetics (formerly Invitae), Labcorp
Classification: Benign for Brown-Vialetto-van Laere syndrome 2. Last evaluated: 2025-04-07. Review status: criteria provided, single submitter. Criteria: Invitae Variant Classification Sherloc (09022015). Collection method: clinical testing. Allele origin: germline.

Blueprint Genetics
Classification: Likely benign. Last evaluated: 2024-10-23. Review status: criteria provided, single submitter. Criteria: ACMG Guidelines, 2015. Collection method: clinical testing. Allele origin: germline.

GeneDx
Classification: Likely benign. Last evaluated: 2016-02-08. Review status: criteria provided, single submitter. Criteria: GeneDx Variant Classification (06012015). Collection method: clinical testing. Allele origin: germline. Affected: yes.
Comment: This variant is considered likely benign or benign based on one or more of the following criteria: it is a conservative change, it occurs at a poorly conserved position in the protein, it is predicted to be benign by multiple in silico algorithms, and/or has population frequency not consistent with disease.

Breakthrough Genomics
Classification: Likely benign. Review status: criteria provided, single submitter. Criteria: ACMG Guidelines, 2015. Collection method: not provided. Allele origin: germline. Inheritance: Autosomal recessive inheritance. Affected: yes.

NM_001363118.2(SLC52A2):c.1245C>T (p.Gly415=)

Gene: SLC52A2 (solute carrier family 52 member 2; plus strand). Cytogenetic location: 8q24.3.
Variant type: single nucleotide variant.
Coding change: c.1245C>T on transcript NM_001363118.2 (MANE Select); coding-DNA position 1245, C replaced by T.
Protein change: p.Gly415=; no amino-acid change (glycine 415 retained).
Molecular consequence: synonymous variant. On other transcripts: non-coding transcript variant (1).
Genome position (GRCh38, 1-based): chr8:144,360,922, C>T. VCF-style: chr8-144360922-C-T. GRCh37 (hg19) VCF-style: chr8-145584582-C-T.
Other names: c.1245C>T, p.Gly415= (NM_001253815.2, NM_001253816.2, NM_001363120.2 and 2 more transcripts); c.753C>T, p.Gly251= (NM_001363122.2); c.1245C>T (NM_001253816.1).
Identifiers: ClinVar variation 383350 (VCV000383350.11), dbSNP rs545630597, ClinGen allele CA4938446.